The following is an entry in ClinVar:

NM_000452.3(SLC10A2):c.761+4T>A

Gene: SLC10A2 (solute carrier family 10 member 2; minus strand). Cytogenetic location: 13q33.1.
Variant type: single nucleotide variant.
Coding change: c.761+4T>A on transcript NM_000452.3 (MANE Select); 4 bases into the intron after coding-DNA position 761, T replaced by A.
Molecular consequence: intron variant.
Genome position (GRCh38, 1-based): chr13:103,051,253, A>T on the plus strand (T>A on the coding strand, the complement: SLC10A2 is on the minus strand). VCF-style: chr13-103051253-A-T. GRCh37 (hg19) VCF-style: chr13-103703603-A-T.
Identifiers: ClinVar variation 2176230 (VCV002176230.4), dbSNP rs200484022, ClinGen allele CA7042069.

ClinVar aggregate classification (germline): Uncertain significance (1 of 4 stars; one submission).

Allele frequency attached by ClinVar (database versions not stated): gnomAD 0.00002.
gnomAD v4.1: 24 of 1,613,708 alleles (0.0015%); highest among the groups gnomAD compares: East Asian, 0.0022%; no homozygotes.

Submission:

Labcorp Genetics (formerly Invitae), Labcorp
Classification: Uncertain significance. Last evaluated: 2022-09-23. Review status: criteria provided, single submitter. Criteria: Invitae Variant Classification Sherloc (09022015). Collection method: clinical testing. Allele origin: germline.
Comment: In summary, the available evidence is currently insufficient to determine the role of this variant in disease. Therefore, it has been classified as a Variant of Uncertain Significance. Variants that disrupt the consensus splice site are a relatively common cause of aberrant splicing (PMID: 17576681, 9536098). Algorithms developed to predict the effect of sequence changes on RNA splicing suggest that this variant is not likely to affect RNA splicing. This variant has not been reported in the literature in individuals affected with SLC10A2-related conditions. This variant is present in population databases (rs200484022, gnomAD 0.006%). This sequence change falls in intron 4 of the SLC10A2 gene. It does not directly change the encoded amino acid sequence of the SLC10A2 protein. It affects a nucleotide within the consensus splice site.

Literature cited by the submitters: PubMed 17576681; PubMed 9536098.